The following is an entry in ClinVar:

NM_000492.4(CFTR):c.117A>C (p.Gln39His)

Gene: CFTR (CF transmembrane conductance regulator; plus strand). Cytogenetic location: 7q31.2.
Variant type: single nucleotide variant.
Coding change: c.117A>C on transcript NM_000492.4 (MANE Select); coding-DNA position 117, A replaced by C.
Protein change: p.Gln39His; replaces glutamine 39 with histidine.
Molecular consequence: missense variant.
Genome position (GRCh38, 1-based): chr7:117,504,316, A>C. VCF-style: chr7-117504316-A-C. GRCh37 (hg19) VCF-style: chr7-117144370-A-C.
Other names: short protein forms Q39H.
Identifiers: ClinVar variation 860424 (VCV000860424.10), dbSNP rs764522674, ClinGen allele CA4450640.

ClinVar aggregate classification (germline): Uncertain significance. Review status: criteria provided, multiple submitters, no conflicts (2 of 4 stars). 3 submissions from 3 submitters: Uncertain significance (2). 1 of the submissions does not count toward it. Last evaluated 2025-11-04.

Conditions:
Cystic fibrosis (CF). Also called: MUCOVISCIDOSIS. Identifiers: Orphanet 586, MedGen C0010674, MONDO:0009061, OMIM 219700. Disease mechanism: loss of function.
CFTR-related disorder (CFTR-RD). Also called: CFTR-related condition; CFTR-related disorders. Identifiers: MedGen C5924204, MONDO:7770004.

Allele frequency attached by ClinVar (database versions not stated): gnomAD exomes 0.00001; ExAC 0.00002.
gnomAD v4.1: 1 of 1,612,564 alleles (0.000062%); highest among the groups gnomAD compares: East Asian, 0.0022%; no homozygotes.

Submissions (3):

Labcorp Genetics (formerly Invitae), Labcorp
Classification: Uncertain significance for Cystic fibrosis. Last evaluated: 2025-11-04. Review status: criteria provided, single submitter. Criteria: Invitae Variant Classification Sherloc (09022015). Collection method: clinical testing. Allele origin: germline.
Comment: This sequence change replaces glutamine, which is neutral and polar, with histidine, which is basic and polar, at codon 39 of the CFTR protein (p.Gln39His). This variant is present in population databases (rs764522674, gnomAD 0.007%). This variant has not been reported in the literature in individuals affected with CFTR-related conditions. ClinVar contains an entry for this variant (Variation ID: 860424). An algorithm developed to predict the effect of missense changes on protein structure and function outputs the following: PolyPhen-2: "Benign". The histidine amino acid residue is found in multiple mammalian species, which suggests that this missense change does not adversely affect protein function. In summary, the available evidence is currently insufficient to determine the role of this variant in disease. Therefore, it has been classified as a Variant of Uncertain Significance.

Ambry Genetics
Classification: Uncertain significance for Cystic fibrosis. Last evaluated: 2025-07-25. Review status: criteria provided, single submitter. Criteria: Ambry Variant Classification Scheme 2023. Collection method: clinical testing. Allele origin: germline.
Comment: The p.Q39H variant (also known as c.117A>C), located in coding exon 2 of the CFTR gene, results from an A to C substitution at nucleotide position 117. The glutamine at codon 39 is replaced by histidine, an amino acid with highly similar properties. This amino acid position is highly conserved in available vertebrate species. In addition, this alteration is predicted to be tolerated by in silico analysis. Based on the available evidence, the clinical significance of this variant remains unclear.

Natera, Inc.
Classification: Uncertain significance for CFTR-related disorders. Last evaluated: 2020-10-12. Review status: no assertion criteria provided. Collection method: clinical testing. Allele origin: germline. Not counted in ClinVar's aggregate classification.